The following is an entry in ClinVar:

ClinVar aggregate classification (germline): Uncertain significance (1 of 4 stars; one submission).

Allele frequency attached by ClinVar (database versions not stated): gnomAD exomes below 0.00001.
gnomAD v4.1: 3 of 1,415,456 alleles (0.00021%); highest among the groups gnomAD compares: Non-Finnish European, 0.0003%; no homozygotes.

Submission:

Labcorp Genetics (formerly Invitae), Labcorp
Classification: Uncertain significance. Last evaluated: 2022-05-12. Review status: criteria provided, single submitter. Criteria: Invitae Variant Classification Sherloc (09022015). Collection method: clinical testing. Allele origin: germline.
Comment: In summary, the available evidence is currently insufficient to determine the role of this variant in disease. Therefore, it has been classified as a Variant of Uncertain Significance. Algorithms developed to predict the effect of missense changes on protein structure and function (SIFT, PolyPhen-2, Align-GVGD) all suggest that this variant is likely to be tolerated. This variant has not been reported in the literature in individuals affected with HELLS-related conditions. This variant is not present in population databases (gnomAD no frequency). This sequence change replaces histidine, which is basic and polar, with arginine, which is basic and polar, at codon 751 of the HELLS protein (p.His751Arg).

NM_018063.5(HELLS):c.2252A>G (p.His751Arg)

Gene: HELLS (helicase, lymphoid specific; plus strand). Cytogenetic location: 10q23.33.
Variant type: single nucleotide variant.
Coding change: c.2252A>G on transcript NM_018063.5 (MANE Select); coding-DNA position 2252, A replaced by G.
Protein change: p.His751Arg; replaces histidine 751 with arginine.
Molecular consequence: missense variant.
Genome position (GRCh38, 1-based): chr10:94,596,863, A>G. VCF-style: chr10-94596863-A-G. GRCh37 (hg19) VCF-style: chr10-96356620-A-G.
Other names: c.2390A>G, p.His797Arg (NM_001289067.2); c.2204A>G, p.His735Arg (NM_001289068.2); c.2156A>G, p.His719Arg (NM_001289069.2); c.1958A>G, p.His653Arg (NM_001289070.2); c.1880A>G, p.His627Arg (NM_001289071.2); c.1862A>G, p.His621Arg (NM_001289072.2); c.1838A>G, p.His613Arg (NM_001289073.2); c.1169A>G, p.His390Arg (NM_001289074.2); and 1 more; short protein forms H390R, H613R, H719R, H751R, H621R, H627R, H653R, H735R.
Identifiers: ClinVar variation 2118837 (VCV002118837.3), dbSNP rs1274842469, ClinGen allele CA377668461.